The following is an entry in ClinVar:

ClinVar aggregate classification (germline): Benign/Likely benign. Review status: criteria provided, multiple submitters, no conflicts (2 of 4 stars). 3 submissions from 3 submitters: Benign (1); Likely benign (2). Last evaluated 2026-08-01.

Conditions:
46,XY sex reversal 6. Also called: 46,XY SEX REVERSAL, PARTIAL OR COMPLETE, MAP3K1-RELATED; 46,XY GONADAL DYSGENESIS, PARTIAL OR COMPLETE, MAP3K1-RELATED. Identifiers: MedGen C3151064, MONDO:0013410, OMIM 613762.

Allele frequency attached by ClinVar (database versions not stated): gnomAD 0.00021 and 0.00031; TOPMed 0.00037; gnomAD exomes 0.00054 and 0.00096; 1000 Genomes Project 0.00060; 1000 Genomes Project 30x 0.00062; ESP Exome Variant Server 0.00076; ExAC 0.00104.
gnomAD v4.1: 863 of 1,614,140 alleles (0.053%); highest among the groups gnomAD compares: Middle Eastern, 0.53%; 5 homozygotes.

Submissions (6):

CeGaT Center for Human Genetics Tuebingen
Classification: Likely benign. Last evaluated: 2026-08-01. Review status: criteria provided, single submitter. Criteria: CeGaT Center For Human Genetics Tuebingen Variant Classification Criteria Version 2. Collection method: clinical testing. Allele origin: germline. Affected: yes. Observed: 1 variant allele.
Comment: MAP3K1: BP4, BP7

Labcorp Genetics (formerly Invitae), Labcorp
Classification: Benign for 46,XY sex reversal 6. Last evaluated: 2025-10-21. Review status: criteria provided, single submitter. Criteria: Invitae Variant Classification Sherloc (09022015). Collection method: clinical testing. Allele origin: germline.

Blueprint Genetics
Classification: Likely benign. Last evaluated: 2024-10-02. Review status: criteria provided, single submitter. Criteria: ACMG Guidelines, 2015. Collection method: clinical testing. Allele origin: germline.

Dr. Peter K. Rogan Lab, Western University
No classification provided (evidence only). Condition: Malignant tumor of urinary bladder. Review status: no classification provided. Collection method: in vitro. Allele origin: not applicable. Functional consequence: retained intron. Not counted in ClinVar's aggregate classification.

Dr. Peter K. Rogan Lab, Western University
No classification provided (evidence only). Condition: Thyroid cancer, nonmedullary, 1. Review status: no classification provided. Collection method: in vitro. Allele origin: not applicable. Functional consequence: retained intron. Not counted in ClinVar's aggregate classification.

Dr. Peter K. Rogan Lab, Western University
No classification provided (evidence only). Condition: Thyroid cancer, nonmedullary, 1. Review status: no classification provided. Collection method: in vitro. Allele origin: not applicable. Functional consequence: retained intron. Not counted in ClinVar's aggregate classification.

NM_005921.2(MAP3K1):c.3783A>G (p.Gln1261=)

Gene: MAP3K1 (mitogen-activated protein kinase kinase kinase 1; plus strand). Cytogenetic location: 5q11.2.
Variant type: single nucleotide variant.
Coding change: c.3783A>G on transcript NM_005921.2 (MANE Select); coding-DNA position 3783, A replaced by G.
Protein change: p.Gln1261=; no amino-acid change (glutamine 1261 retained).
Molecular consequence: synonymous variant.
Genome position (GRCh38, 1-based): chr5:56,883,643, A>G. VCF-style: chr5-56883643-A-G. GRCh37 (hg19) VCF-style: chr5-56179470-A-G.
Identifiers: ClinVar variation 767435 (VCV000767435.12), dbSNP rs201159436, ClinGen allele CA3273236.